The following is an entry in ClinVar:

ClinVar aggregate classification (germline): Uncertain significance (1 of 4 stars; one submission).

Allele frequency attached by ClinVar (database versions not stated): gnomAD 0.00001; TOPMed 0.00001.

Submission:

Labcorp Genetics (formerly Invitae), Labcorp
Classification: Uncertain significance. Last evaluated: 2025-04-23. Review status: criteria provided, single submitter. Criteria: Invitae Variant Classification Sherloc (09022015). Collection method: clinical testing. Allele origin: germline.
Comment: This sequence change replaces phenylalanine, which is neutral and non-polar, with serine, which is neutral and polar, at codon 961 of the CACNA2D4 protein (p.Phe961Ser). This variant is not present in population databases (gnomAD no frequency). This variant has not been reported in the literature in individuals affected with CACNA2D4-related conditions. ClinVar contains an entry for this variant (Variation ID: 957446). An algorithm developed to predict the effect of missense changes on protein structure and function outputs the following: PolyPhen-2: "Benign". The serine amino acid residue is found in multiple mammalian species, which suggests that this missense change does not adversely affect protein function. In summary, the available evidence is currently insufficient to determine the role of this variant in disease. Therefore, it has been classified as a Variant of Uncertain Significance.

NM_172364.5(CACNA2D4):c.2882T>C (p.Phe961Ser)

Gene: CACNA2D4 (calcium voltage-gated channel auxiliary subunit alpha2delta 4; minus strand). Cytogenetic location: 12p13.33.
Variant type: single nucleotide variant.
Coding change: c.2882T>C on transcript NM_172364.5 (MANE Select); coding-DNA position 2882, T replaced by C.
Protein change: p.Phe961Ser; replaces phenylalanine 961 with serine.
Molecular consequence: missense variant.
Genome position (GRCh38, 1-based): chr12:1,800,425, A>G on the plus strand (T>C on the coding strand, the complement: CACNA2D4 is on the minus strand). VCF-style: chr12-1800425-A-G. GRCh37 (hg19) VCF-style: chr12-1909591-A-G.
Other names: short protein forms F961S.
Identifiers: ClinVar variation 957446 (VCV000957446.7), dbSNP rs1363324409, ClinGen allele CA383348957.